The following is an entry in ClinVar:

NM_001365276.2(TNXB):c.6428G>A (p.Gly2143Asp)

Gene: TNXB (tenascin XB; minus strand). Cytogenetic location: 6p21.33.
Variant type: single nucleotide variant.
Coding change: c.6428G>A on transcript NM_001365276.2 (MANE Select); coding-DNA position 6428, G replaced by A.
Protein change: p.Gly2143Asp; replaces glycine 2143 with aspartic acid.
Molecular consequence: missense variant.
Genome position (GRCh38, 1-based): chr6:32,067,777, C>T on the plus strand (G>A on the coding strand, the complement: TNXB is on the minus strand). VCF-style: chr6-32067777-C-T. GRCh37 (hg19) VCF-style: chr6-32035554-C-T.
Other names: p.Gly2143Asp; c.6428G>A, p.Gly2143Asp (NM_019105.8); short protein forms G2143D.
Identifiers: ClinVar variation 1205703 (VCV001205703.11), dbSNP rs369288131, ClinGen allele CA3734438.

ClinVar aggregate classification (germline): Conflicting classifications of pathogenicity. Review status: criteria provided, conflicting classifications (1 of 4 stars). 3 submissions from 3 submitters: Uncertain significance (1); Benign (1); Likely benign (1). Last evaluated 2025-12-15.

Conditions:
Cardiovascular phenotype. Identifiers: MedGen CN230736.

Allele frequency attached by ClinVar (database versions not stated): gnomAD 0.00044 and 0.00046; 1000 Genomes Project 30x 0.00047; 1000 Genomes Project 0.00060; gnomAD exomes 0.00007; ExAC 0.00011; ESP Exome Variant Server 0.00016; TOPMed 0.00039.
gnomAD v4.1: 128 of 1,613,668 alleles (0.0079%); highest among the groups gnomAD compares: African/African-American, 0.16%; 1 homozygote.

Submissions (3):

Ambry Genetics
Classification: Benign for Cardiovascular phenotype. Last evaluated: 2025-12-15. Review status: criteria provided, single submitter. Criteria: Ambry Variant Classification Scheme 2023. Collection method: clinical testing. Allele origin: germline.

Mayo Clinic Laboratories, Mayo Clinic
Classification: Likely benign. Last evaluated: 2025-07-31. Review status: criteria provided, single submitter. Criteria: ACMG Guidelines, 2015. Collection method: clinical testing. Allele origin: germline. Observed: 1 variant allele.
Comment: BS1, BP4

GeneDx
Classification: Uncertain significance. Last evaluated: 2023-07-19. Review status: criteria provided, single submitter. Criteria: GeneDx Variant Classification Process June 2021. Collection method: clinical testing. Allele origin: germline. Affected: yes.
Comment: Has not been previously published as pathogenic or benign to our knowledge; In silico analysis supports that this missense variant has a deleterious effect on protein structure/function